The following is an entry in ClinVar:

ClinVar aggregate classification (germline): Pathogenic/Likely pathogenic. Review status: criteria provided, multiple submitters, no conflicts (2 of 4 stars). 2 submissions from 2 submitters: Pathogenic (1); Likely pathogenic (1). Last evaluated 2023-03-14.

Conditions:
Primary ciliary dyskinesia. Also called: Ciliary dyskinesia. Identifiers: Orphanet 244, MedGen C0008780, MONDO:0016575, HP:0012265.
Primary ciliary dyskinesia 3. Identifiers: Orphanet 244, MedGen C1837618, MONDO:0012085, OMIM 608644.

gnomAD v4.1: 18 of 1,613,746 alleles (0.0011%); highest among the groups gnomAD compares: Non-Finnish European, 0.0015%; no homozygotes.

Submissions (2):

Labcorp Genetics (formerly Invitae), Labcorp
Classification: Pathogenic for Primary ciliary dyskinesia. Last evaluated: 2023-03-14. Review status: criteria provided, single submitter. Criteria: Invitae Variant Classification Sherloc (09022015). Collection method: clinical testing. Allele origin: germline.
Comment: For these reasons, this variant has been classified as Pathogenic. ClinVar contains an entry for this variant (Variation ID: 1444914). This variant has not been reported in the literature in individuals affected with DNAH5-related conditions. This variant is present in population databases (rs769582678, gnomAD 0.002%). This sequence change creates a premature translational stop signal (p.Tyr1225*) in the DNAH5 gene. It is expected to result in an absent or disrupted protein product. Loss-of-function variants in DNAH5 are known to be pathogenic (PMID: 11788826, 16627867).

Fulgent Genetics
Classification: Likely pathogenic for Primary ciliary dyskinesia 3. Last evaluated: 2021-11-09. Review status: criteria provided, single submitter. Criteria: ACMG Guidelines, 2015. Collection method: clinical testing. Allele origin: unknown.

Literature cited by the submitters: PubMed 11788826 (cited by Labcorp Genetics (formerly Invitae), Labcorp); PubMed 16627867 (cited by Labcorp Genetics (formerly Invitae), Labcorp).

NM_001369.3(DNAH5):c.3675C>G (p.Tyr1225Ter)

Genes: DNAH5 (dynein axonemal heavy chain 5; minus strand), DNAH5-AS1 (DNAH5 antisense RNA 1; plus strand). Cytogenetic location: 5p15.2.
Variant type: single nucleotide variant.
Coding change: c.3675C>G on transcript NM_001369.3 (MANE Select); coding-DNA position 3675, C replaced by G.
Protein change: p.Tyr1225Ter; replaces tyrosine 1225 with a stop codon.
Molecular consequence: nonsense.
Genome position (GRCh38, 1-based): chr5:13,870,926, G>C on the plus strand (C>G on the coding strand, the complement: DNAH5 is on the minus strand). VCF-style: chr5-13870926-G-C. GRCh37 (hg19) VCF-style: chr5-13871035-G-C.
Other names: short protein forms Y1225*.
Identifiers: ClinVar variation 1444914 (VCV001444914.8), dbSNP rs769582678, ClinGen allele CA3204200.